The following is an entry in ClinVar:

ClinVar aggregate classification (germline): Uncertain significance. Review status: criteria provided, multiple submitters, no conflicts (2 of 4 stars). 2 submissions from 2 submitters: Uncertain significance (2). Last evaluated 2023-12-20.

Conditions:
Inborn genetic diseases. Identifiers: MedGen C0950123, MeSH D030342.
Intellectual disability, autosomal recessive 42 (NEDDSBA). Also called: Neurodevelopmental disorder with dysmorphic features, spasticity, and brain abnormalities; GLYCOSYLPHOSPHATIDYLINOSITOL BIOSYNTHESIS DEFECT 9. Identifiers: Orphanet 88616, MedGen C4014343, MONDO:0014348, OMIM 615802.

Allele frequency attached by ClinVar (database versions not stated): gnomAD exomes below 0.00001; ExAC 0.00002; gnomAD 0.00003; TOPMed 0.00004.
gnomAD v4.1: 9 of 1,598,248 alleles (0.00056%); highest among the groups gnomAD compares: African/African-American, 0.012%; no homozygotes.

Submissions (2):

Ambry Genetics
Classification: Uncertain significance for Inborn genetic diseases. Last evaluated: 2023-12-20. Review status: criteria provided, single submitter. Criteria: Ambry Variant Classification Scheme 2023. Collection method: clinical testing. Allele origin: germline.

Labcorp Genetics (formerly Invitae), Labcorp
Classification: Uncertain significance for Intellectual disability, autosomal recessive 42. Last evaluated: 2022-08-23. Review status: criteria provided, single submitter. Criteria: Invitae Variant Classification Sherloc (09022015). Collection method: clinical testing. Allele origin: germline.
Comment: In summary, the available evidence is currently insufficient to determine the role of this variant in disease. Therefore, it has been classified as a Variant of Uncertain Significance. Algorithms developed to predict the effect of missense changes on protein structure and function output the following: SIFT: "Tolerated"; PolyPhen-2: "Benign"; Align-GVGD: "Class C0". The alanine amino acid residue is found in multiple mammalian species, which suggests that this missense change does not adversely affect protein function. This variant has not been reported in the literature in individuals affected with PGAP1-related conditions. This variant is present in population databases (rs759614777, gnomAD 0.009%). This sequence change replaces threonine, which is neutral and polar, with alanine, which is neutral and non-polar, at codon 772 of the PGAP1 protein (p.Thr772Ala).

NM_024989.4(PGAP1):c.2314A>G (p.Thr772Ala)

Gene: PGAP1 (post-GPI attachment to proteins inositol deacylase 1; minus strand). Cytogenetic location: 2q33.1.
Variant type: single nucleotide variant.
Coding change: c.2314A>G on transcript NM_024989.4 (MANE Select); coding-DNA position 2314, A replaced by G.
Protein change: p.Thr772Ala; replaces threonine 772 with alanine.
Molecular consequence: missense variant.
Genome position (GRCh38, 1-based): chr2:196,844,547, T>C on the plus strand (A>G on the coding strand, the complement: PGAP1 is on the minus strand). VCF-style: chr2-196844547-T-C. GRCh37 (hg19) VCF-style: chr2-197709271-T-C.
Other names: c.1792A>G, p.Thr598Ala (NM_001321099.2); c.1147A>G, p.Thr383Ala (NM_001321100.2); short protein forms T383A, T772A, T598A.
Identifiers: ClinVar variation 2085629 (VCV002085629.5), dbSNP rs759614777, ClinGen allele CA2040664.